The following is an entry in ClinVar:

NM_020433.5(JPH2):c.1552G>A (p.Gly518Ser)

Gene: JPH2 (junctophilin 2; minus strand). Cytogenetic location: 20q13.12.
Variant type: single nucleotide variant.
Coding change: c.1552G>A on transcript NM_020433.5 (MANE Select); coding-DNA position 1552, G replaced by A.
Protein change: p.Gly518Ser; replaces glycine 518 with serine.
Molecular consequence: missense variant.
Genome position (GRCh38, 1-based): chr20:44,116,123, C>T on the plus strand (G>A on the coding strand, the complement: JPH2 is on the minus strand). VCF-style: chr20-44116123-C-T. GRCh37 (hg19) VCF-style: chr20-42744763-C-T.
Other names: short protein forms G518S.
Identifiers: ClinVar variation 1775085 (VCV001775085.9), dbSNP rs926337524, ClinGen allele CA314642641.
Genomic context (GRCh38, chr20:44,116,123, plus strand): 5'-GACGCGCGGGGCTGCGGCGGCCCGCGCCCTCGGACGGAGTGACTGACCGGCTGCCCTCAC[C>T]GCTGGGCTCGCCGTTCCAGGCGCCTGGGCTCAGCAGGCCGTCCTTGGACACCCCGGGCCT-3'
Protein context (NP_065166.2, residues 508-528): SPGAWNGEPS[Gly518Ser]EGSRSVTPSE

ClinVar aggregate classification (germline): Conflicting classifications of pathogenicity. Review status: criteria provided, conflicting classifications (1 of 4 stars). 3 submissions from 3 submitters: Uncertain significance (2); Likely benign (1). Last evaluated 2025-09-28.

Conditions:
Cardiovascular phenotype. Identifiers: MedGen CN230736.
Hypertrophic cardiomyopathy. Also called: HYPERTROPHIC MYOCARDIOPATHY. Identifiers: Orphanet 217569, MedGen C0007194, MeSH D002312, MONDO:0005045, HP:0001639.

Allele frequency attached by ClinVar (database versions not stated): gnomAD 0.00009; TOPMed 0.00009.
gnomAD v4.1: 18 of 1,454,412 alleles (0.0012%); highest among the groups gnomAD compares: African/African-American, 0.025%; no homozygotes.

Submissions (3):

Labcorp Genetics (formerly Invitae), Labcorp
Classification: Uncertain significance for Hypertrophic cardiomyopathy. Last evaluated: 2025-09-28. Review status: criteria provided, single submitter. Criteria: Invitae Variant Classification Sherloc (09022015). Collection method: clinical testing. Allele origin: germline.
Comment: This sequence change replaces glycine, which is neutral and non-polar, with serine, which is neutral and polar, at codon 518 of the JPH2 protein (p.Gly518Ser). The frequency data for this variant in the population databases is considered unreliable, as metrics indicate poor data quality at this position in the gnomAD database. This variant has not been reported in the literature in individuals affected with JPH2-related conditions. ClinVar contains an entry for this variant (Variation ID: 1775085). An algorithm developed to predict the effect of missense changes on protein structure and function (PolyPhen-2) suggests that this variant is likely to be tolerated. In summary, the available evidence is currently insufficient to determine the role of this variant in disease. Therefore, it has been classified as a Variant of Uncertain Significance.

Molecular Diagnostic Laboratory for Inherited Cardiovascular Disease, Montreal Heart Institute
Classification: Uncertain significance for Cardiovascular phenotype. Last evaluated: 2025-04-09. Review status: criteria provided, single submitter. Criteria: ACMG Guidelines, 2015. Collection method: clinical testing. Allele origin: germline. Affected: yes.

Ambry Genetics
Classification: Likely benign for Cardiovascular phenotype. Last evaluated: 2024-04-30. Review status: criteria provided, single submitter. Criteria: Ambry Variant Classification Scheme 2023. Collection method: clinical testing. Allele origin: germline.